The following is an entry in ClinVar:

ClinVar aggregate classification (germline): Uncertain significance (1 of 4 stars; one submission).

Conditions:
Inborn genetic diseases. Identifiers: MedGen C0950123, MeSH D030342.

gnomAD v4.1: 6 of 1,604,708 alleles (0.00037%); highest among the groups gnomAD compares: African/African-American, 0.0067%; no homozygotes.

Submission:

Ambry Genetics
Classification: Uncertain significance for Inborn genetic diseases. Last evaluated: 2025-05-02. Review status: criteria provided, single submitter. Criteria: Ambry Variant Classification Scheme 2023. Collection method: clinical testing. Allele origin: germline.
Comment: The p.T610I variant (also known as c.1829C>T), located in coding exon 14 of the KRIT1 gene, results from a C to T substitution at nucleotide position 1829. The threonine at codon 610 is replaced by isoleucine, an amino acid with similar properties. This amino acid position is conserved. In addition, the in silico prediction for this alteration is inconclusive. Based on the available evidence, the clinical significance of this variant remains unclear.

NM_194454.3(KRIT1):c.1829C>T (p.Thr610Ile)

Gene: KRIT1 (KRIT1 ankyrin repeat containing; minus strand). Cytogenetic location: 7q21.2.
Variant type: single nucleotide variant.
Coding change: c.1829C>T on transcript NM_194454.3 (MANE Select); coding-DNA position 1829, C replaced by T.
Protein change: p.Thr610Ile; replaces threonine 610 with isoleucine.
Molecular consequence: missense variant.
Genome position (GRCh38, 1-based): chr7:92,213,391, G>A on the plus strand (C>T on the coding strand, the complement: KRIT1 is on the minus strand). VCF-style: chr7-92213391-G-A. GRCh37 (hg19) VCF-style: chr7-91842705-G-A.
Other names: c.1685C>T, p.Thr562Ile (NM_001013406.2, NM_001350669.1, NM_001350670.1); c.1115C>T, p.Thr372Ile (NM_001350671.1); c.1829C>T, p.Thr610Ile (NM_001350672.1, NM_001350673.1, NM_001350674.1 and 26 more transcripts); short protein forms T372I, T562I, T610I.
Identifiers: ClinVar variation 4044755 (VCV004044755.1).
Genomic context (GRCh38, chr7:92,213,391, plus strand): 5'-CAGCAATTCTGTAAGAACATGCGCTGAAGGTGATGCATTTCTTTACTGACACCTTCACTT[G>A]TACTGAGATTCTAAAAACAAACAAGGTAAATTAAAAATAAAAGAGATATGAAAGGAAAAT-3'
Protein context (NP_919436.1, residues 600-620): RILHEYKNLS[Thr610Ile]SEGVSKEMHH